The following is an entry in ClinVar:

NM_000742.4(CHRNA2):c.634G>A (p.Asp212Asn)

Gene: CHRNA2 (cholinergic receptor nicotinic alpha 2 subunit; minus strand). Cytogenetic location: 8p21.2.
Variant type: single nucleotide variant.
Coding change: c.634G>A on transcript NM_000742.4 (MANE Select); coding-DNA position 634, G replaced by A.
Protein change: p.Asp212Asn; replaces aspartic acid 212 with asparagine.
Molecular consequence: missense variant.
Genome position (GRCh38, 1-based): chr8:27,463,809, C>T on the plus strand (G>A on the coding strand, the complement: CHRNA2 is on the minus strand). VCF-style: chr8-27463809-C-T. GRCh37 (hg19) VCF-style: chr8-27321326-C-T.
Other names: c.589G>A, p.Asp197Asn (NM_001282455.2); c.157G>A, p.Asp53Asn (NM_001347705.2, NM_001347706.2); c.40G>A, p.Asp14Asn (NM_001347707.2, NM_001347708.2); short protein forms D212N, D14N, D197N, D53N.
Identifiers: ClinVar variation 429619 (VCV000429619.2), dbSNP rs760660239, ClinGen allele CA4689618.

ClinVar aggregate classification (germline): Uncertain significance (1 of 4 stars; one submission).

Allele frequency attached by ClinVar (database versions not stated): gnomAD below 0.00001 and 0.00001; TOPMed below 0.00001; ExAC 0.00004.
gnomAD v4.1: 18 of 1,614,004 alleles (0.0011%); highest among the groups gnomAD compares: South Asian, 0.014%; no homozygotes.

Submission:

GeneDx
Classification: Uncertain significance. Last evaluated: 2017-05-10. Review status: criteria provided, single submitter. Criteria: GeneDx Variant Classification (06012015). Collection method: clinical testing. Allele origin: germline. Affected: yes.
Comment: A variant of uncertain significance has been identified in the CHRNA2 gene. The D212N variant has not been published as a pathogenic variant, nor has it been reported as a benign variant to our knowledge. The D212N variant is observed in 5/16512 (0.03%) alleles from individuals of South Asian background, in the ExAC dataset (Lek et al., 2016; 1000 Genomes Consortium et al., 2015; Exome Variant Server). The D212N variant is a semi-conservative amino acid substitution, which may impact secondary protein structure as these residues differ in some properties. This substitution occurs at a position that is conserved across species, and in silico analysis predicts this variant is probably damaging to the protein structure/function. However, this amino acid substitution is not predicted to occur within the transmembrane region of the protein, where the vast majority of pathogenic missense variants have been identified in association with epilepsy (Steinlein et al., 2010). Furthermore, missense variants in nearby residues have not been reported in the Human Gene Mutation Database in association with CHRNA2-related disorders (Stenson et al., 2014). Therefore, based on the currently available information, it is unclear whether this variant is a pathogenic variant or a rare benign variant.